The following is an entry in ClinVar:

NM_001283009.2(RTEL1):c.2896G>A (p.Glu966Lys)

Genes: RTEL1 (regulator of telomere elongation helicase 1; plus strand), RTEL1-TNFRSF6B (RTEL1-TNFRSF6B readthrough (NMD candidate); plus strand). Cytogenetic location: 20q13.33.
Variant type: single nucleotide variant.
Coding change: c.2896G>A on transcript NM_001283009.2 (MANE Select); coding-DNA position 2896, G replaced by A.
Protein change: p.Glu966Lys; replaces glutamic acid 966 with lysine.
Molecular consequence: missense variant. On other transcripts: non-coding transcript variant (1).
Genome position (GRCh38, 1-based): chr20:63,693,187, G>A. VCF-style: chr20-63693187-G-A. GRCh37 (hg19) VCF-style: chr20-62324540-G-A.
Other names: c.2227G>A, p.Glu743Lys (NM_001283010.1); c.2896G>A, p.Glu966Lys (NM_016434.4); c.2968G>A, p.Glu990Lys (NM_032957.5); short protein forms E966K, E743K, E990K.
Identifiers: ClinVar variation 4157627 (VCV004157627.1).

ClinVar aggregate classification (germline): Uncertain significance (1 of 4 stars; one submission).

Conditions:
Inborn genetic diseases. Identifiers: MedGen C0950123, MeSH D030342.

gnomAD v4.1: 1 of 1,612,172 alleles (0.000062%); highest among the groups gnomAD compares: Non-Finnish European, 0.000085%; no homozygotes.

Submission:

Ambry Genetics
Classification: Uncertain significance for Inborn genetic diseases. Last evaluated: 2025-08-01. Review status: criteria provided, single submitter. Criteria: Ambry Variant Classification Scheme 2023. Collection method: clinical testing. Allele origin: germline.
Comment: The p.E966K variant (also known as c.2896G>A), located in coding exon 29 of the RTEL1 gene, results from a G to A substitution at nucleotide position 2896. The glutamic acid at codon 966 is replaced by lysine, an amino acid with similar properties. This amino acid position is conserved. In addition, this alteration is predicted to be tolerated by in silico analysis. Based on the available evidence, the clinical significance of this variant remains unclear.